The following is an entry in ClinVar:

ClinVar aggregate classification (germline): Uncertain significance. Review status: criteria provided, multiple submitters, no conflicts (2 of 4 stars). 3 submissions from 3 submitters: Uncertain significance (3). Last evaluated 2024-10-12.

Conditions:
Hereditary cancer-predisposing syndrome. Also called: Hereditary Cancer Syndrome; Neoplastic Syndromes, Hereditary; Tumor predisposition; Hereditary neoplastic syndrome. Identifiers: Orphanet 140162, MedGen C0027672, MeSH D009386, MONDO:0015356.
Familial cancer of breast. Also called: BREAST CANCER, FAMILIAL; Hereditary breast cancer; hereditary breast carcinoma. Identifiers: Orphanet 227535, MedGen C0346153, MONDO:0016419, OMIM 114480. Disease mechanism: loss of function.

Submissions (3):

Ambry Genetics
Classification: Uncertain significance for Hereditary cancer-predisposing syndrome. Last evaluated: 2024-10-12. Review status: criteria provided, single submitter. Criteria: Ambry Variant Classification Scheme 2023. Collection method: clinical testing. Allele origin: germline.
Comment: The p.H483L variant (also known as c.1448A>T), located in coding exon 6 of the BARD1 gene, results from an A to T substitution at nucleotide position 1448. The histidine at codon 483 is replaced by leucine, an amino acid with similar properties. This amino acid position is highly conserved through reptiles but not in all available vertebrate species. In addition, the in silico prediction for this alteration is inconclusive. Since supporting evidence is limited at this time, the clinical significance of this alteration remains unclear.

Labcorp Genetics (formerly Invitae), Labcorp
Classification: Uncertain significance for Familial cancer of breast. Last evaluated: 2024-04-16. Review status: criteria provided, single submitter. Criteria: Invitae Variant Classification Sherloc (09022015). Collection method: clinical testing. Allele origin: germline.
Comment: This sequence change replaces histidine, which is basic and polar, with leucine, which is neutral and non-polar, at codon 483 of the BARD1 protein (p.His483Leu). This variant is not present in population databases (gnomAD no frequency). This variant has not been reported in the literature in individuals affected with BARD1-related conditions. ClinVar contains an entry for this variant (Variation ID: 481416). An algorithm developed to predict the effect of missense changes on protein structure and function (PolyPhen-2) suggests that this variant is likely to be disruptive. In summary, the available evidence is currently insufficient to determine the role of this variant in disease. Therefore, it has been classified as a Variant of Uncertain Significance.

Department of Pathology and Laboratory Medicine, Sinai Health System
Classification: Uncertain significance for Familial cancer of breast. Last evaluated: 2020-06-30. Review status: criteria provided, single submitter. Criteria: ACMG Guidelines, 2015. Collection method: clinical testing. Allele origin: germline. Affected: yes.

NM_000465.4(BARD1):c.1448A>T (p.His483Leu)

Gene: BARD1 (BRCA1 associated RING domain 1; minus strand). Cytogenetic location: 2q35.
Variant type: single nucleotide variant.
Coding change: c.1448A>T on transcript NM_000465.4 (MANE Select); coding-DNA position 1448, A replaced by T.
Protein change: p.His483Leu; replaces histidine 483 with leucine.
Molecular consequence: missense variant. On other transcripts: non-coding transcript variant (3), intron variant (3).
Genome position (GRCh38, 1-based): chr2:214,767,602, T>A on the plus strand (A>T on the coding strand, the complement: BARD1 is on the minus strand). VCF-style: chr2-214767602-T-A. GRCh37 (hg19) VCF-style: chr2-215632326-T-A.
Other names: c.1391A>T, p.His464Leu (NM_001282543.2); c.159-15047A>T (NM_001282548.2); c.216-15047A>T (NM_001282545.2); c.364+24695A>T (NM_001282549.2); short protein forms H483L, H464L.
Identifiers: ClinVar variation 481416 (VCV000481416.18), dbSNP rs587781874, ClinGen allele CA350448524.